The following is an entry in ClinVar:

ClinVar aggregate classification (germline): Uncertain significance. Review status: criteria provided, multiple submitters, no conflicts (2 of 4 stars). 2 submissions from 2 submitters: Uncertain significance (2). Last evaluated 2025-07-30.

Conditions:
Inborn genetic diseases. Identifiers: MedGen C0950123, MeSH D030342.
Aicardi-Goutieres syndrome 7 (AGS7). Identifiers: Orphanet 51, MedGen C3888244, MONDO:0014367, OMIM 615846.
Singleton-Merten syndrome 1 (SGMRT1). Also called: Widened medullary cavities of bone, aortic calcification, abnormal dentition, and muscular weakness; Syndrome of widened medullary cavities of the metacarpals and phalanges, aortic calcification and abnormal dentition. Identifiers: Orphanet 85191, MedGen C4225427, MONDO:0024535, OMIM 182250.

Allele frequency attached by ClinVar (database versions not stated): gnomAD exomes below 0.00001; TOPMed 0.00001; gnomAD 0.00001.
gnomAD v4.1: 3 of 1,608,402 alleles (0.00019%); highest among the groups gnomAD compares: Non-Finnish European, 0.00026%; no homozygotes.

Submissions (2):

Labcorp Genetics (formerly Invitae), Labcorp
Classification: Uncertain significance for Aicardi-Goutieres syndrome 7; Singleton-Merten syndrome 1. Last evaluated: 2025-07-30. Review status: criteria provided, single submitter. Criteria: Invitae Variant Classification Sherloc (09022015). Collection method: clinical testing. Allele origin: germline.
Comment: This sequence change replaces lysine, which is basic and polar, with glutamine, which is neutral and polar, at codon 664 of the IFIH1 protein (p.Lys664Gln). This variant is present in population databases (no rsID available, gnomAD 0.007%). This variant has not been reported in the literature in individuals affected with IFIH1-related conditions. ClinVar contains an entry for this variant (Variation ID: 2076646). Invitae Evidence Modeling of protein sequence and biophysical properties (such as structural, functional, and spatial information, amino acid conservation, physicochemical variation, residue mobility, and thermodynamic stability) has been performed for this missense variant. However, the output from this modeling did not meet the statistical confidence thresholds required to predict the impact of this variant on IFIH1 protein function. In summary, the available evidence is currently insufficient to determine the role of this variant in disease. Therefore, it has been classified as a Variant of Uncertain Significance.

Ambry Genetics
Classification: Uncertain significance for Inborn genetic diseases. Last evaluated: 2022-07-22. Review status: criteria provided, single submitter. Criteria: Ambry Variant Classification Scheme 2023. Collection method: clinical testing. Allele origin: germline.

NM_022168.4(IFIH1):c.1990A>C (p.Lys664Gln)

Gene: IFIH1 (interferon induced with helicase C domain 1; minus strand). Cytogenetic location: 2q24.2.
Variant type: single nucleotide variant.
Coding change: c.1990A>C on transcript NM_022168.4 (MANE Select); coding-DNA position 1990, A replaced by C.
Protein change: p.Lys664Gln; replaces lysine 664 with glutamine.
Molecular consequence: missense variant.
Genome position (GRCh38, 1-based): chr2:162,277,469, T>G on the plus strand (A>C on the coding strand, the complement: IFIH1 is on the minus strand). VCF-style: chr2-162277469-T-G. GRCh37 (hg19) VCF-style: chr2-163133979-T-G.
Other names: short protein forms K664Q.
Identifiers: ClinVar variation 2076646 (VCV002076646.5), dbSNP rs1224393495, ClinGen allele CA348998603.